The following is an entry in ClinVar:

NM_024757.5(EHMT1):c.432C>T (p.Ala144=)

Gene: EHMT1 (euchromatic histone lysine methyltransferase 1; plus strand). Cytogenetic location: 9q34.3.
Variant type: single nucleotide variant.
Coding change: c.432C>T on transcript NM_024757.5 (MANE Select); coding-DNA position 432, C replaced by T.
Protein change: p.Ala144=; no amino-acid change (alanine 144 retained).
Molecular consequence: synonymous variant.
Genome position (GRCh38, 1-based): chr9:137,716,972, C>T. VCF-style: chr9-137716972-C-T. GRCh37 (hg19) VCF-style: chr9-140611424-C-T.
Other names: c.432C>T, p.Ala144= (NM_001145527.2, NM_001354263.2, NM_001354611.2); c.339C>T, p.Ala113= (NM_001354259.2, NM_001354612.2).
Identifiers: ClinVar variation 96162 (VCV000096162.59), dbSNP rs139461232, ClinGen allele CA149307.

ClinVar aggregate classification (germline): Benign/Likely benign. Review status: criteria provided, multiple submitters, no conflicts (2 of 4 stars). 8 submissions from 8 submitters: Benign (4); Likely benign (3). 1 of the submissions does not count toward it. Last evaluated 2026-08-01.

Conditions:
EHMT1-related disorder. Also called: EHMT1-related condition.
Inborn genetic diseases. Identifiers: MedGen C0950123, MeSH D030342.
Kleefstra syndrome 1 (KLEFS1). Identifiers: Orphanet 261494, MedGen C0795833, MONDO:0027407, OMIM 610253.

Allele frequency attached by ClinVar (database versions not stated): 1000 Genomes Project 30x 0.00062; 1000 Genomes Project 0.00080; TOPMed 0.00201; ESP Exome Variant Server 0.00254.
gnomAD v4.1: 5,046 of 1,611,144 alleles (0.31%); highest among the groups gnomAD compares: Non-Finnish European, 0.37%; 15 homozygotes.

Submissions (8):

CeGaT Center for Human Genetics Tuebingen
Classification: Benign. Last evaluated: 2026-08-01. Review status: criteria provided, single submitter. Criteria: CeGaT Center For Human Genetics Tuebingen Variant Classification Criteria Version 2. Collection method: clinical testing. Allele origin: germline. Affected: yes. Observed: 20 variant alleles.
Comment: EHMT1: BP4, BP7, BS1, BS2

Labcorp Genetics (formerly Invitae), Labcorp
Classification: Benign for Kleefstra syndrome 1. Last evaluated: 2026-01-26. Review status: criteria provided, single submitter. Criteria: Invitae Variant Classification Sherloc (09022015). Collection method: clinical testing. Allele origin: germline.

Blueprint Genetics
Classification: Likely benign. Last evaluated: 2024-11-19. Review status: criteria provided, single submitter. Criteria: ACMG Guidelines, 2015. Collection method: clinical testing. Allele origin: germline.

GeneDx
Classification: Benign. Last evaluated: 2018-08-16. Review status: criteria provided, single submitter. Criteria: GeneDx Variant Classification Process June 2021. Collection method: clinical testing. Allele origin: germline. Affected: yes.

Ambry Genetics
Classification: Likely benign for Inborn genetic diseases. Last evaluated: 2017-11-13. Review status: criteria provided, single submitter. Criteria: Ambry Variant Classification Scheme 2023. Collection method: clinical testing. Allele origin: germline.

Genetic Services Laboratory, University of Chicago
Classification: Likely benign. Last evaluated: 2015-06-01. Review status: criteria provided, single submitter. Criteria: ACMG Guidelines, 2015. Collection method: clinical testing. Allele origin: germline.

Eurofins Ntd Llc (ga)
Classification: Benign. Last evaluated: 2013-08-19. Review status: criteria provided, single submitter. Criteria: EGL Classification Definitions 2015. Collection method: clinical testing. Allele origin: germline. Observed: 1 variant allele, 1 heterozygote.

PreventionGenetics, part of Exact Sciences
Classification: Benign for EHMT1-related condition. Last evaluated: 2019-12-23. Review status: no assertion criteria provided. Collection method: clinical testing. Allele origin: germline. Not counted in ClinVar's aggregate classification.
Comment: This variant is classified as benign based on ACMG/AMP sequence variant interpretation guidelines (Richards et al. 2015 PMID: 25741868, with internal and published modifications).